The following is an entry in ClinVar:

ClinVar aggregate classification (germline): Uncertain significance. Review status: criteria provided, multiple submitters, no conflicts (2 of 4 stars). 2 submissions from 2 submitters: Uncertain significance (2). Last evaluated 2022-12-28.

Submissions (2):

GeneDx
Classification: Uncertain significance. Last evaluated: 2022-12-28. Review status: criteria provided, single submitter. Criteria: GeneDx Variant Classification Process June 2021. Collection method: clinical testing. Allele origin: germline. Affected: yes.
Comment: In silico analysis supports that this missense variant does not alter protein structure/function; Not observed at significant frequency in large population cohorts (gnomAD); Has not been previously published as pathogenic or benign to our knowledge

Labcorp Genetics (formerly Invitae), Labcorp
Classification: Uncertain significance. Last evaluated: 2021-08-13. Review status: criteria provided, single submitter. Criteria: Invitae Variant Classification Sherloc (09022015). Collection method: clinical testing. Allele origin: germline.
Comment: This sequence change replaces glutamic acid with aspartic acid at codon 1179 of the FLNB protein (p.Glu1179Asp). The glutamic acid residue is highly conserved and there is a small physicochemical difference between glutamic acid and aspartic acid. This variant is not present in population databases (ExAC no frequency). This variant has not been reported in the literature in individuals with FLNB-related conditions. Advanced modeling of protein sequence and biophysical properties (such as structural, functional, and spatial information, amino acid conservation, physicochemical variation, residue mobility, and thermodynamic stability) performed at Invitae indicates that this missense variant is not expected to disrupt FLNB protein function. In summary, the available evidence is currently insufficient to determine the role of this variant in disease. Therefore, it has been classified as a Variant of Uncertain Significance.

NM_001457.4(FLNB):c.3537A>T (p.Glu1179Asp)

Gene: FLNB (filamin B; plus strand). Cytogenetic location: 3p14.3.
Variant type: single nucleotide variant.
Coding change: c.3537A>T on transcript NM_001457.4 (MANE Select); coding-DNA position 3537, A replaced by T.
Protein change: p.Glu1179Asp; replaces glutamic acid 1179 with aspartic acid.
Molecular consequence: missense variant.
Genome position (GRCh38, 1-based): chr3:58,123,503, A>T. VCF-style: chr3-58123503-A-T. GRCh37 (hg19) VCF-style: chr3-58109230-A-T.
Other names: c.3537A>T (NM_001457.3); c.3537A>T, p.Glu1179Asp (NM_001164317.2, NM_001164318.2, NM_001164319.2); short protein forms E1179D.
Identifiers: ClinVar variation 1407327 (VCV001407327.8), dbSNP rs2107176033, ClinGen allele CA353349002.